The following is an entry in ClinVar:

NM_000046.5(ARSB):c.158A>G (p.Asp53Gly)

Genes: ARSB (arylsulfatase B; minus strand), LOC129994126 (ATAC-STARR-seq lymphoblastoid silent region 16127; plus strand). Cytogenetic location: 5q14.1.
Variant type: single nucleotide variant.
Coding change: c.158A>G on transcript NM_000046.5 (MANE Select); coding-DNA position 158, A replaced by G.
Protein change: p.Asp53Gly; replaces aspartic acid 53 with glycine.
Molecular consequence: missense variant.
Genome position (GRCh38, 1-based): chr5:78,985,091, T>C on the plus strand (A>G on the coding strand, the complement: ARSB is on the minus strand). VCF-style: chr5-78985091-T-C. GRCh37 (hg19) VCF-style: chr5-78280914-T-C.
Other names: c.158A>G, p.Asp53Gly (NM_198709.3); short protein forms D53G.
Identifiers: ClinVar variation 1517883 (VCV001517883.6), dbSNP rs2112582627, ClinGen allele CA360196932.

ClinVar aggregate classification (germline): Likely pathogenic (1 of 4 stars; one submission).

Conditions:
Mucopolysaccharidosis type 6 (MPS6). Also called: MPS 6; Maroteaux Lamy syndrome; MPS VI; N-ACETYLGALACTOSAMINE-4-SULFATASE DEFICIENCY; ARSB DEFICIENCY; ARYLSULFATASE B DEFICIENCY. Identifiers: Orphanet 583, MedGen C0026709, MONDO:0009661, OMIM 253200.

Submission:

Labcorp Genetics (formerly Invitae), Labcorp
Classification: Likely pathogenic for Mucopolysaccharidosis type 6. Last evaluated: 2021-10-28. Review status: criteria provided, single submitter. Criteria: Invitae Variant Classification Sherloc (09022015). Collection method: clinical testing. Allele origin: germline.
Comment: In summary, the currently available evidence indicates that the variant is pathogenic, but additional data are needed to prove that conclusively. Therefore, this variant has been classified as Likely Pathogenic. This variant disrupts the p.Asp53 amino acid residue in ARSB. Other variant(s) that disrupt this residue have been determined to be pathogenic (PMID: 24677745, 26937411, 27826022). This suggests that this residue is clinically significant, and that variants that disrupt this residue are likely to be disease-causing. Advanced modeling of protein sequence and biophysical properties (such as structural, functional, and spatial information, amino acid conservation, physicochemical variation, residue mobility, and thermodynamic stability) performed at Invitae indicates that this missense variant is expected to disrupt ARSB protein function. This variant has not been reported in the literature in individuals affected with ARSB-related conditions. This variant is not present in population databases (gnomAD no frequency). This sequence change replaces aspartic acid, which is acidic and polar, with glycine, which is neutral and non-polar, at codon 53 of the ARSB protein (p.Asp53Gly).

Literature cited by the submitters: PubMed 24677745; PubMed 26937411; PubMed 27826022.